The following is an entry in ClinVar:

NM_001048174.2(MUTYH):c.21C>T (p.Ala7=)

Gene: MUTYH (mutY DNA glycosylase; minus strand). Cytogenetic location: 1p34.1.
Variant type: single nucleotide variant.
Coding change: c.21C>T on transcript NM_001048174.2 (MANE Select); coding-DNA position 21, C replaced by T.
Protein change: p.Ala7=; no amino-acid change (alanine 7 retained).
Molecular consequence: synonymous variant. On other transcripts: 5 prime UTR variant (4), non-coding transcript variant (2).
Genome position (GRCh38, 1-based): chr1:45,334,485, G>A on the plus strand (C>T on the coding strand, the complement: MUTYH is on the minus strand). VCF-style: chr1-45334485-G-A. GRCh37 (hg19) VCF-style: chr1-45800157-G-A.
Other names: c.21C>T, p.Ala7= (NM_001048171.2, NM_001048172.2, NM_001048173.2 and 2 more transcripts); c.63C>T, p.Ala21= (NM_001128425.2, NM_001293190.2, NM_012222.3); c.-192C>T (NM_001293192.2, NM_001293196.2); c.-251C>T (NM_001350650.2); c.-187C>T (NM_001350651.2).
Identifiers: ClinVar variation 186528 (VCV000186528.28), dbSNP rs201982344, ClinGen allele CA014010.

ClinVar aggregate classification (germline): Likely benign. Review status: criteria provided, multiple submitters, no conflicts (2 of 4 stars). 8 submissions from 8 submitters: Likely benign (6). 2 of the submissions do not count toward it. Last evaluated 2026-02-03.

Conditions:
MUTYH-related disorder. Also called: MUTYH-related condition; MUTYH-related disorders.
Hereditary cancer-predisposing syndrome. Also called: Tumor predisposition; Neoplastic Syndromes, Hereditary; Hereditary neoplastic syndrome; Hereditary Cancer Syndrome. Identifiers: Orphanet 140162, MedGen C0027672, MeSH D009386, MONDO:0015356.
Familial adenomatous polyposis 2. Also called: MUTYH-related attenuated familial adenomatous polyposis; MUTYH-associated polyposis; MUTYH Polyposis; COLORECTAL ADENOMATOUS POLYPOSIS, AUTOSOMAL RECESSIVE; ADENOMAS, MULTIPLE COLORECTAL, AUTOSOMAL RECESSIVE; MYH-associated polyposis. Identifiers: Orphanet 220460, Orphanet 247798, MedGen C3272841, MONDO:0012041, OMIM 608456.

Allele frequency attached by ClinVar (database versions not stated): gnomAD exomes 0.00001; ExAC 0.00002; gnomAD 0.00007; TOPMed 0.00014; 1000 Genomes Project 30x 0.00016; 1000 Genomes Project 0.00020.

Submissions (8):

Labcorp Genetics (formerly Invitae), Labcorp
Classification: Likely benign for Familial adenomatous polyposis 2. Last evaluated: 2026-02-03. Review status: criteria provided, single submitter. Criteria: Invitae Variant Classification Sherloc (09022015). Collection method: clinical testing. Allele origin: germline.

Quest Diagnostics Nichols Institute San Juan Capistrano
Classification: Likely benign. Last evaluated: 2022-10-03. Review status: criteria provided, single submitter. Criteria: Quest Diagnostics criteria. Collection method: clinical testing. Allele origin: unknown.

GeneDx
Classification: Likely benign. Last evaluated: 2021-06-21. Review status: criteria provided, single submitter. Criteria: GeneDx Variant Classification Process June 2021. Collection method: clinical testing. Allele origin: germline. Affected: yes.

Sema4
Classification: Likely benign for Hereditary cancer-predisposing syndrome. Last evaluated: 2021-01-10. Review status: criteria provided, single submitter. Criteria: Sema4 Curation Guidelines. Collection method: curation. Allele origin: germline.

Color Diagnostics, LLC DBA Color Health
Classification: Likely benign for Hereditary cancer-predisposing syndrome. Last evaluated: 2016-12-13. Review status: criteria provided, single submitter. Criteria: ACMG Guidelines, 2015. Collection method: clinical testing. Allele origin: germline.

Ambry Genetics
Classification: Likely benign for Hereditary cancer-predisposing syndrome. Last evaluated: 2014-11-04. Review status: criteria provided, single submitter. Criteria: Ambry Variant Classification Scheme 2023. Collection method: clinical testing. Allele origin: germline.

PreventionGenetics, part of Exact Sciences
Classification: Likely benign for MUTYH-related condition. Last evaluated: 2019-04-29. Review status: no assertion criteria provided. Collection method: clinical testing. Allele origin: germline. Not counted in ClinVar's aggregate classification.
Comment: This variant is classified as likely benign based on ACMG/AMP sequence variant interpretation guidelines (Richards et al. 2015 PMID: 25741868, with internal and published modifications).

Counsyl
Classification: Likely benign for Familial adenomatous polyposis 2. Last evaluated: 2016-06-15. Review status: no assertion criteria provided. Collection method: clinical testing. Allele origin: unknown. Not counted in ClinVar's aggregate classification.